The following is an entry in ClinVar:

NM_000341.4(SLC3A1):c.1181T>C (p.Val394Ala)

Gene: SLC3A1 (solute carrier family 3 member 1; plus strand). Cytogenetic location: 2p21.
Variant type: single nucleotide variant.
Coding change: c.1181T>C on transcript NM_000341.4 (MANE Select); coding-DNA position 1181, T replaced by C.
Protein change: p.Val394Ala; replaces valine 394 with alanine.
Molecular consequence: missense variant.
Genome position (GRCh38, 1-based): chr2:44,304,187, T>C. VCF-style: chr2-44304187-T-C. GRCh37 (hg19) VCF-style: chr2-44531326-T-C.
Other names: short protein forms V394A.
Identifiers: ClinVar variation 1388420 (VCV001388420.9), dbSNP rs1238384854, ClinGen allele CA346682473.
Genomic context (GRCh38, chr2:44,304,187, plus strand): 5'-TTGTCAACTCTTATAGGTTCATGGGGACTGAAGCCTATGCAGAGAGTATTGACAGGACCG[T>C]GATGTACTATGGATTGCCATTTATCCAAGAAGCTGATTTTCCCTTCAACAATTACCTCAG-3'
Protein context (NP_000332.2, residues 384-404): EAYAESIDRT[Val394Ala]MYYGLPFIQE

ClinVar aggregate classification (germline): Uncertain significance. Review status: criteria provided, multiple submitters, no conflicts (2 of 4 stars). 2 submissions from 2 submitters: Uncertain significance (2). Last evaluated 2025-09-08.

Conditions:
Cystinuria (CSNU). Also called: CYSTINURIA, TYPE I; CYSTINURIA, TYPE II; CYSTINURIA, TYPE III; Cystinuria, non-type I. Identifiers: Orphanet 214, MedGen C0010691, MONDO:0009067, OMIM 220100, HP:0003131.

Allele frequency attached by ClinVar (database versions not stated): gnomAD 0.00001.
gnomAD v4.1: 1 of 1,613,982 alleles (0.000062%); highest among the groups gnomAD compares: Non-Finnish European, 0.000085%; no homozygotes.

Submissions (2):

Labcorp Genetics (formerly Invitae), Labcorp
Classification: Uncertain significance for Cystinuria. Last evaluated: 2025-09-08. Review status: criteria provided, single submitter. Criteria: Invitae Variant Classification Sherloc (09022015). Collection method: clinical testing. Allele origin: germline.
Comment: This sequence change replaces valine, which is neutral and non-polar, with alanine, which is neutral and non-polar, at codon 394 of the SLC3A1 protein (p.Val394Ala). This variant is present in population databases (no rsID available, gnomAD 0.007%). This variant has not been reported in the literature in individuals affected with SLC3A1-related conditions. ClinVar contains an entry for this variant (Variation ID: 1388420). Invitae Evidence Modeling of protein sequence and biophysical properties (such as structural, functional, and spatial information, amino acid conservation, physicochemical variation, residue mobility, and thermodynamic stability) has been performed for this missense variant. However, the output from this modeling did not meet the statistical confidence thresholds required to predict the impact of this variant on SLC3A1 protein function. In summary, the available evidence is currently insufficient to determine the role of this variant in disease. Therefore, it has been classified as a Variant of Uncertain Significance.

Fulgent Genetics
Classification: Uncertain significance for Cystinuria. Last evaluated: 2024-05-24. Review status: criteria provided, single submitter. Criteria: ACMG Guidelines, 2015. Collection method: clinical testing. Allele origin: germline.